The following is an entry in ClinVar:

ClinVar aggregate classification (germline): Likely benign. Review status: criteria provided, multiple submitters, no conflicts (2 of 4 stars). 3 submissions from 3 submitters: Likely benign (3). Last evaluated 2025-08-06.

Conditions:
MYO7A-related disorder. Also called: MYO7A-related disorders.

Allele frequency attached by ClinVar (database versions not stated): gnomAD 0.00001; TOPMed 0.00002.
gnomAD v4.1: 18 of 1,581,496 alleles (0.0011%); highest among the groups gnomAD compares: East Asian, 0.019%; no homozygotes.

Submissions (3):

PreventionGenetics, part of Exact Sciences
Classification: Likely benign for MYO7A-related condition. Last evaluated: 2025-08-06. Review status: criteria provided, single submitter. Criteria: ACMG Guidelines, 2015. Collection method: clinical testing. Allele origin: germline.
Comment: This variant is classified as likely benign based on ACMG/AMP sequence variant interpretation guidelines (Richards et al. 2015 PMID: 25741868, with internal and published modifications).

Labcorp Genetics (formerly Invitae), Labcorp
Classification: Likely benign. Last evaluated: 2024-02-16. Review status: criteria provided, single submitter. Criteria: Invitae Variant Classification Sherloc (09022015). Collection method: clinical testing. Allele origin: germline.

Blueprint Genetics
Classification: Likely benign. Last evaluated: 2023-12-15. Review status: criteria provided, single submitter. Criteria: ACMG Guidelines, 2015. Collection method: clinical testing. Allele origin: germline.

NM_000260.4(MYO7A):c.1143G>A (p.Thr381=)

Gene: MYO7A (myosin VIIA; plus strand). Cytogenetic location: 11q13.5.
Variant type: single nucleotide variant.
Coding change: c.1143G>A on transcript NM_000260.4 (MANE Select); coding-DNA position 1143, G replaced by A.
Protein change: p.Thr381=; no amino-acid change (threonine 381 retained).
Molecular consequence: synonymous variant.
Genome position (GRCh38, 1-based): chr11:77,160,225, G>A. VCF-style: chr11-77160225-G-A. GRCh37 (hg19) VCF-style: chr11-76871271-G-A.
Other names: c.1143G>A, p.Thr381= (NM_001127180.2); c.1110G>A, p.Thr370= (NM_001369365.1); c.1143G>A (NM_000260.3).
Identifiers: ClinVar variation 1143680 (VCV001143680.11), dbSNP rs781795932, ClinGen allele CA6197396.